The following is an entry in ClinVar:

ClinVar aggregate classification (germline): Likely benign. Review status: criteria provided, multiple submitters, no conflicts (2 of 4 stars). 2 submissions from 2 submitters: Likely benign (2). Last evaluated 2022-06-01.

Conditions:
Early-infantile DEE. Also called: Ohtahara syndrome; Early infantile epileptic encephalopathy; Early infantile epileptic encephalopathy with suppression bursts. Identifiers: Orphanet 1934, MedGen C0393706, MONDO:0800491.

Submissions (2):

CeGaT Center for Human Genetics Tuebingen
Classification: Likely benign. Last evaluated: 2022-06-01. Review status: criteria provided, single submitter. Criteria: CeGaT Center For Human Genetics Tuebingen Variant Classification Criteria Version 2. Collection method: clinical testing. Allele origin: germline. Affected: yes. Observed: 1 variant allele.
Comment: SCN1A: PM2:Supporting, BP4, BP7

Labcorp Genetics (formerly Invitae), Labcorp
Classification: Likely benign for Early-infantile DEE. Last evaluated: 2020-10-01. Review status: criteria provided, single submitter. Criteria: Invitae Variant Classification Sherloc (09022015). Collection method: clinical testing. Allele origin: germline.

NM_001165963.4(SCN1A):c.4050G>A (p.Val1350=)

Genes: SCN1A (sodium voltage-gated channel alpha subunit 1; minus strand), LOC102724058 (uncharacterized LOC102724058; plus strand). Cytogenetic location: 2q24.3.
Variant type: single nucleotide variant.
Coding change: c.4050G>A on transcript NM_001165963.4 (MANE Select); coding-DNA position 4050, G replaced by A.
Protein change: p.Val1350=; no amino-acid change (valine 1350 retained).
Molecular consequence: synonymous variant. On other transcripts: non-coding transcript variant (1).
Genome position (GRCh38, 1-based): chr2:166,002,706, C>T on the plus strand (G>A on the coding strand, the complement: SCN1A is on the minus strand). VCF-style: chr2-166002706-C-T. GRCh37 (hg19) VCF-style: chr2-166859216-C-T.
Other names: c.3966G>A, p.Val1322= (NM_001165964.3, NM_001353957.2, NM_001353958.2); c.4050G>A, p.Val1350= (NM_001202435.3, NM_001353948.2); c.4017G>A, p.Val1339= (NM_001353949.2, NM_001353950.2, NM_001353951.2 and 2 more transcripts); c.4014G>A, p.Val1338= (NM_001353954.2, NM_001353955.2); c.3963G>A, p.Val1321= (NM_001353960.2); c.1608G>A, p.Val536= (NM_001353961.2).
Identifiers: ClinVar variation 1156716 (VCV001156716.33), dbSNP rs2105510228, ClinGen allele CA429893658.